The following is an entry in ClinVar:

NM_004706.4(ARHGEF1):c.2149G>A (p.Glu717Lys)

Gene: ARHGEF1 (Rho guanine nucleotide exchange factor 1; plus strand). Cytogenetic location: 19q13.2.
Variant type: single nucleotide variant.
Coding change: c.2149G>A on transcript NM_004706.4 (MANE Select); coding-DNA position 2149, G replaced by A.
Protein change: p.Glu717Lys; replaces glutamic acid 717 with lysine.
Molecular consequence: missense variant.
Genome position (GRCh38, 1-based): chr19:41,904,371, G>A. VCF-style: chr19-41904371-G-A. GRCh37 (hg19) VCF-style: chr19-42408523-G-A.
Other names: c.2194G>A (NM_199002.1); c.2050G>A, p.Glu684Lys (NM_198977.2); c.2194G>A, p.Glu732Lys (NM_199002.2); short protein forms E684K, E732K, E717K.
Identifiers: ClinVar variation 1370813 (VCV001370813.9), dbSNP rs201127336, ClinGen allele CA9466608.
Genomic context (GRCh38, chr19:41,904,371, plus strand): 5'-ACGCCCGATGGCAAGACCATGCTGCGGCCCGTGCTGCGGCTCACCTCCGCCATGACCCGC[G>A]AGGTGGCCACCGGTGAGTGCAGCCACTGCATGGCCCAGGGCAGAGGGTGTCTTTTTTGGG-3'
Protein context (NP_004697.2, residues 707-727): VLRLTSAMTR[Glu717Lys]VATDHKAFYV

ClinVar aggregate classification (germline): Uncertain significance. Review status: criteria provided, multiple submitters, no conflicts (2 of 4 stars). 3 submissions from 3 submitters: Uncertain significance (3). Last evaluated 2025-08-31.

Conditions:
Immunodeficiency 62. Identifiers: Orphanet 696942, MedGen C5193109, MONDO:0032763, OMIM 618459.

Allele frequency attached by ClinVar (database versions not stated): 1000 Genomes Project 0.00060; ESP Exome Variant Server 0.00024; gnomAD 0.00030 and 0.00027; ExAC 0.00021; gnomAD exomes 0.00003 and 0.00008; TOPMed 0.00031; 1000 Genomes Project 30x 0.00094.
gnomAD v4.1: 89 of 1,577,896 alleles (0.0056%); highest among the groups gnomAD compares: African/African-American, 0.1%; no homozygotes.

Submissions (3):

Labcorp Genetics (formerly Invitae), Labcorp
Classification: Uncertain significance. Last evaluated: 2025-08-31. Review status: criteria provided, single submitter. Criteria: Invitae Variant Classification Sherloc (09022015). Collection method: clinical testing. Allele origin: germline.
Comment: This sequence change replaces glutamic acid, which is acidic and polar, with lysine, which is basic and polar, at codon 732 of the ARHGEF1 protein (p.Glu732Lys). This variant is present in population databases (rs201127336, gnomAD 0.1%), and has an allele count higher than expected for a pathogenic variant. This variant has not been reported in the literature in individuals affected with ARHGEF1-related conditions. ClinVar contains an entry for this variant (Variation ID: 1370813). An algorithm developed to predict the effect of missense changes on protein structure and function (PolyPhen-2) suggests that this variant is likely to be tolerated. In summary, the available evidence is currently insufficient to determine the role of this variant in disease. Therefore, it has been classified as a Variant of Uncertain Significance.

Ambry Genetics
Classification: Uncertain significance. Last evaluated: 2021-08-09. Review status: criteria provided, single submitter. Criteria: Ambry Variant Classification Scheme 2023. Collection method: clinical testing. Allele origin: germline.

Revvity Omics, Revvity
Classification: Uncertain significance for Immunodeficiency 62. Last evaluated: 2021-07-23. Review status: criteria provided, single submitter. Criteria: ACMG Guidelines, 2015. Collection method: clinical testing. Allele origin: germline.